The following is an entry in ClinVar:

NM_001384732.1(CPLANE1):c.2923C>T (p.Gln975Ter)

Gene: CPLANE1 (ciliogenesis and planar polarity effector complex subunit 1; minus strand). Cytogenetic location: 5p13.2.
Variant type: single nucleotide variant.
Coding change: c.2923C>T on transcript NM_001384732.1 (MANE Select); coding-DNA position 2923, C replaced by T.
Protein change: p.Gln975Ter; replaces glutamine 975 with a stop codon.
Molecular consequence: nonsense.
Genome position (GRCh38, 1-based): chr5:37,206,423, G>A on the plus strand (C>T on the coding strand, the complement: CPLANE1 is on the minus strand). VCF-style: chr5-37206423-G-A. GRCh37 (hg19) VCF-style: chr5-37206525-G-A.
Other names: c.2923C>T, p.Gln975Ter (NM_023073.4); short protein forms Q975*.
Identifiers: ClinVar variation 217587 (VCV000217587.8), dbSNP rs863225166, ClinGen allele CA279485.

ClinVar aggregate classification (germline): Pathogenic/Likely pathogenic. Review status: criteria provided, multiple submitters, no conflicts (2 of 4 stars). 4 submissions from 4 submitters: Pathogenic (3); Likely pathogenic (1). Last evaluated 2025-07-31.

Conditions:
C5ORF42-related disorders.
Joubert syndrome 17 (JBTS17). Identifiers: Orphanet 475, MedGen C3553264, MONDO:0013824, OMIM 614615.

Allele frequency attached by ClinVar (database versions not stated): gnomAD exomes 0.00001; TOPMed 0.00002; gnomAD 0.00003.
gnomAD v4.1: 14 of 1,541,468 alleles (0.00091%); highest among the groups gnomAD compares: Non-Finnish European, 0.0012%; no homozygotes.

Submissions (4):

GeneDx
Classification: Pathogenic. Last evaluated: 2025-07-31. Review status: criteria provided, single submitter. Criteria: GeneDx Variant Classification Process June 2021. Collection method: clinical testing. Allele origin: germline.
Comment: Not observed at significant frequency in large population cohorts (gnomAD); Nonsense variant predicted to result in protein truncation or nonsense mediated decay in a gene for which loss of function is a known mechanism of disease; This variant is associated with the following publications: (PMID: 26092869)

Labcorp Genetics (formerly Invitae), Labcorp
Classification: Pathogenic. Last evaluated: 2025-06-10. Review status: criteria provided, single submitter. Criteria: Invitae Variant Classification Sherloc (09022015). Collection method: clinical testing. Allele origin: germline.
Comment: This sequence change creates a premature translational stop signal (p.Gln975*) in the CPLANE1 gene. It is expected to result in an absent or disrupted protein product. Loss-of-function variants in CPLANE1 are known to be pathogenic (PMID: 24178751, 26092869). This variant is present in population databases (no rsID available, gnomAD 0.002%). This premature translational stop signal has been observed in individual(s) with Joubert syndrome (PMID: 26092869). ClinVar contains an entry for this variant (Variation ID: 217587). Algorithms developed to predict the effect of sequence changes on RNA splicing suggest that this variant may disrupt the consensus splice site. For these reasons, this variant has been classified as Pathogenic.

Blueprint Genetics
Classification: Likely pathogenic for C5ORF42-related disorders. Last evaluated: 2023-04-18. Review status: criteria provided, single submitter. Criteria: ACMG Guidelines, 2015. Collection method: clinical testing. Allele origin: germline. Affected: yes. Observed: 2 variant alleles.

UW Hindbrain Malformation Research Program, University of Washington
Classification: Pathogenic for Joubert syndrome 17. Last evaluated: 2015-02-23. Review status: criteria provided, single submitter. Criteria: Bachmann-Gagescu et al. (J Med Genet. 2015). Collection method: research. Allele origin: unknown. Affected: yes.

Literature cited by the submitters: PubMed 24178751 (cited by Labcorp Genetics (formerly Invitae), Labcorp); PubMed 26092869 (cited by Labcorp Genetics (formerly Invitae), Labcorp).